The following is an entry in ClinVar:

ClinVar aggregate classification (germline): Uncertain significance (1 of 4 stars; one submission).

Conditions:
Inborn genetic diseases. Identifiers: MedGen C0950123, MeSH D030342.

Submission:

Ambry Genetics
Classification: Uncertain significance for Inborn genetic diseases. Last evaluated: 2026-07-18. Review status: criteria provided, single submitter. Criteria: Ambry Variant Classification Scheme 2023. Collection method: clinical testing. Allele origin: germline.
Comment: The p.T4P variant (also known as c.10A>C), located in coding exon 1 of the MBD4 gene, results from an A to C substitution at nucleotide position 10. The threonine at codon 4 is replaced by proline, an amino acid with highly similar properties. This amino acid position is conserved. In addition, this alteration is predicted to be tolerated by in silico analysis. Based on the available evidence, the clinical significance of this variant remains unclear.

NM_001276270.2(MBD4):c.10A>C (p.Thr4Pro)

Genes: MBD4 (methyl-CpG binding domain 4, DNA glycosylase; minus strand), LOC129937550 (ATAC-STARR-seq lymphoblastoid active region 20512; plus strand). Cytogenetic location: 3q21.3.
Variant type: single nucleotide variant.
Coding change: c.10A>C on transcript NM_001276270.2 (MANE Select); coding-DNA position 10, A replaced by C.
Protein change: p.Thr4Pro; replaces threonine 4 with proline.
Molecular consequence: missense variant.
Genome position (GRCh38, 1-based): chr3:129,439,824, T>G on the plus strand (A>C on the coding strand, the complement: MBD4 is on the minus strand). VCF-style: chr3-129439824-T-G. GRCh37 (hg19) VCF-style: chr3-129158667-T-G.
Other names: c.10A>C, p.Thr4Pro (NM_001276271.2, NM_001276272.2, NM_001276273.2 and 1 more transcripts); short protein forms T4P.
Identifiers: ClinVar variation 5024023 (VCV005024023.1).